The following is an entry in ClinVar:

ClinVar aggregate classification (germline): Benign (0 of 4 stars; one submission).

Conditions:
ATAD5-related disorder. Also called: ATAD5-related condition.

Allele frequency attached by ClinVar (database versions not stated): ExAC 0.00213; gnomAD 0.00650; ESP Exome Variant Server 0.00661; TOPMed 0.00687; 1000 Genomes Project 0.00779; 1000 Genomes Project 30x 0.00781.
gnomAD v4.1: 1,817 of 1,586,154 alleles (0.11%); highest among the groups gnomAD compares: African/African-American, 2.2%; 20 homozygotes.

Submission:

PreventionGenetics, part of Exact Sciences
Classification: Benign for ATAD5-related condition. Last evaluated: 2019-06-02. Review status: no assertion criteria provided. Collection method: clinical testing. Allele origin: germline.
Comment: This variant is classified as benign based on ACMG/AMP sequence variant interpretation guidelines (Richards et al. 2015 PMID: 25741868, with internal and published modifications).

NM_024857.5(ATAD5):c.3088C>T (p.Leu1030Phe)

Gene: ATAD5 (ATPase family AAA domain containing 5; plus strand). Cytogenetic location: 17q11.2.
Variant type: single nucleotide variant.
Coding change: c.3088C>T on transcript NM_024857.5 (MANE Select); coding-DNA position 3088, C replaced by T.
Protein change: p.Leu1030Phe; replaces leucine 1030 with phenylalanine.
Molecular consequence: missense variant.
Genome position (GRCh38, 1-based): chr17:30,860,564, C>T. VCF-style: chr17-30860564-C-T. GRCh37 (hg19) VCF-style: chr17-29187582-C-T.
Other names: short protein forms L1030F.
Identifiers: ClinVar variation 3041803 (VCV003041803.2), dbSNP rs35910070, ClinGen allele CA8483997.